The following is an entry in ClinVar:

NM_002230.4(JUP):c.1054+3G>A

Gene: JUP (junction plakoglobin; minus strand). Cytogenetic location: 17q21.2.
Variant type: single nucleotide variant.
Coding change: c.1054+3G>A on transcript NM_002230.4 (MANE Select); 3 bases into the intron after coding-DNA position 1054, G replaced by A.
Molecular consequence: intron variant.
Genome position (GRCh38, 1-based): chr17:41,764,920, C>T on the plus strand (G>A on the coding strand, the complement: JUP is on the minus strand). VCF-style: chr17-41764920-C-T. GRCh37 (hg19) VCF-style: chr17-39921172-C-T.
Other names: c.1054+3G>A (NM_001352774.2, NM_021991.4, NM_001352776.2 and 3 more transcripts).
Identifiers: ClinVar variation 2933719 (VCV002933719.3), dbSNP rs2544130772, ClinGen allele CA2576268917.
Genomic context (GRCh38, chr17:41,764,920, plus strand): 5'-TGACTGAGCCTGGCAGCTGGGCAGAGCTCCCACCCCAGCCGCCCTCAAGGCCATCATACT[C>T]ACCAGCCTCCACAATGGCAGGCTTATTGCTGGGACACACGGATAGCACCTTGAGCACACG-3'

ClinVar aggregate classification (germline): Uncertain significance (1 of 4 stars; one submission).

Conditions:
Naxos disease (NXD). Also called: KERATOSIS PALMOPLANTARIS WITH ARRHYTHMOGENIC CARDIOMYOPATHY; MAL DE NAXOS; PALMOPLANTAR KERATODERMA WITH ARRHYTHMOGENIC RIGHT VENTRICULAR CARDIOMYOPATHY AND WOOLLY HAIR; WOOLLY HAIR, PALMOPLANTAR KERATODERMA, AND CARDIAC ABNORMALITIES; CARDIOMYOPATHY, ARRHYTHMOGENIC RIGHT VENTRICULAR, WITH SKIN, HAIR, AND NAIL ABNORMALITIES. Identifiers: Orphanet 34217, MedGen C1832600, MONDO:0011017, OMIM 601214.
Arrhythmogenic right ventricular dysplasia 12. Also called: ARRHYTHMOGENIC RIGHT VENTRICULAR DYSPLASIA, FAMILIAL, 12. Identifiers: MedGen C1969081, MONDO:0012684, OMIM 611528.

Submission:

Labcorp Genetics (formerly Invitae), Labcorp
Classification: Uncertain significance for Arrhythmogenic right ventricular dysplasia 12; Naxos disease. Last evaluated: 2023-09-22. Review status: criteria provided, single submitter. Criteria: Invitae Variant Classification Sherloc (09022015). Collection method: clinical testing. Allele origin: germline.
Comment: This sequence change falls in intron 6 of the JUP gene. It does not directly change the encoded amino acid sequence of the JUP protein. It affects a nucleotide within the consensus splice site. This variant is not present in population databases (gnomAD no frequency). This variant has not been reported in the literature in individuals affected with JUP-related conditions. Variants that disrupt the consensus splice site are a relatively common cause of aberrant splicing (PMID: 17576681, 9536098). Algorithms developed to predict the effect of sequence changes on RNA splicing suggest that this variant is not likely to affect RNA splicing. In summary, the available evidence is currently insufficient to determine the role of this variant in disease. Therefore, it has been classified as a Variant of Uncertain Significance.

Literature cited by the submitters: PubMed 17576681; PubMed 9536098.